The following is an entry in ClinVar:

NM_001943.5(DSG2):c.251A>G (p.Lys84Arg)

Gene: DSG2 (desmoglein 2; plus strand). Cytogenetic location: 18q12.1.
Variant type: single nucleotide variant.
Coding change: c.251A>G on transcript NM_001943.5 (MANE Select); coding-DNA position 251, A replaced by G.
Protein change: p.Lys84Arg; replaces lysine 84 with arginine.
Molecular consequence: missense variant.
Genome position (GRCh38, 1-based): chr18:31,520,837, A>G. VCF-style: chr18-31520837-A-G. GRCh37 (hg19) VCF-style: chr18-29100800-A-G.
Other names: short protein forms K84R.
Identifiers: ClinVar variation 2821461 (VCV002821461.3), dbSNP rs2510910796, ClinGen allele CA402131302.

ClinVar aggregate classification (germline): Uncertain significance (1 of 4 stars; one submission).

Conditions:
Arrhythmogenic right ventricular dysplasia 10. Also called: Arrhythmogenic Right Ventricular Dysplasia/Cardiomyopathy10; ARRHYTHMOGENIC RIGHT VENTRICULAR DYSPLASIA, FAMILIAL, 10; Arrhythmogenic right ventricular dysplasia/cardiomyopathy, type 10. Identifiers: MedGen C1857777, MONDO:0012434, OMIM 610193.

Submission:

Labcorp Genetics (formerly Invitae), Labcorp
Classification: Uncertain significance for Arrhythmogenic right ventricular dysplasia 10. Last evaluated: 2024-09-23. Review status: criteria provided, single submitter. Criteria: Invitae Variant Classification Sherloc (09022015). Collection method: clinical testing. Allele origin: germline.
Comment: This sequence change replaces lysine, which is basic and polar, with arginine, which is basic and polar, at codon 84 of the DSG2 protein (p.Lys84Arg). This variant is not present in population databases (gnomAD no frequency). This variant has not been reported in the literature in individuals affected with DSG2-related conditions. Invitae Evidence Modeling of protein sequence and biophysical properties (such as structural, functional, and spatial information, amino acid conservation, physicochemical variation, residue mobility, and thermodynamic stability) indicates that this missense variant is not expected to disrupt DSG2 protein function with a negative predictive value of 95%. In summary, the available evidence is currently insufficient to determine the role of this variant in disease. Therefore, it has been classified as a Variant of Uncertain Significance.